The following is an entry in ClinVar:

ClinVar aggregate classification (germline): Likely benign. Review status: criteria provided, multiple submitters, no conflicts (2 of 4 stars). 2 submissions from 2 submitters: Likely benign (2). Last evaluated 2020-04-28.

Submissions (2):

Blueprint Genetics
Classification: Likely benign. Last evaluated: 2020-04-28. Review status: criteria provided, single submitter. Criteria: ACMG Guidelines, 2015. Collection method: clinical testing. Allele origin: germline.

GeneDx
Classification: Likely benign. Last evaluated: 2014-10-24. Review status: criteria provided, single submitter. Criteria: GeneDx Variant Classification (06012015). Collection method: clinical testing. Allele origin: germline. Affected: yes.
Comment: This variant is considered likely benign or benign based on one or more of the following criteria: it is a conservative change, it occurs at a poorly conserved position in the protein, it is predicted to be benign by multiple in silico algorithms, and/or has population frequency not consistent with disease.

NM_005477.3(HCN4):c.338C>T (p.Thr113Met)

Gene: HCN4 (hyperpolarization activated cyclic nucleotide gated potassium channel 4; minus strand). Cytogenetic location: 15q24.1.
Variant type: single nucleotide variant.
Coding change: c.338C>T on transcript NM_005477.3 (MANE Select); coding-DNA position 338, C replaced by T.
Protein change: p.Thr113Met; replaces threonine 113 with methionine.
Molecular consequence: missense variant.
Genome position (GRCh38, 1-based): chr15:73,367,933, G>A on the plus strand (C>T on the coding strand, the complement: HCN4 is on the minus strand). VCF-style: chr15-73367933-G-A. GRCh37 (hg19) VCF-style: chr15-73660274-G-A.
Other names: p.T113M:ACG>ATG; short protein forms T113M.
Identifiers: ClinVar variation 190767 (VCV000190767.2), dbSNP rs786205801, ClinGen allele CA301947.